The following is an entry in ClinVar:

ClinVar aggregate classification (germline): Uncertain significance (1 of 4 stars; one submission).

gnomAD v4.1: 1 of 1,612,492 alleles (0.000062%); highest among the groups gnomAD compares: South Asian, 0.0011%; no homozygotes.

Submission:

GeneDx
Classification: Uncertain significance. Last evaluated: 2024-02-08. Review status: criteria provided, single submitter. Criteria: GeneDx Variant Classification Process June 2021. Collection method: clinical testing. Allele origin: germline. Affected: yes.
Comment: In silico analysis supports that this missense variant does not alter protein structure/function; Has not been previously published as pathogenic or benign to our knowledge

NM_001386298.1(CIC):c.4697A>T (p.Tyr1566Phe)

Gene: CIC (capicua transcriptional repressor; plus strand). Cytogenetic location: 19q13.2.
Variant type: single nucleotide variant.
Coding change: c.4697A>T on transcript NM_001386298.1 (MANE Select); coding-DNA position 4697, A replaced by T.
Protein change: p.Tyr1566Phe; replaces tyrosine 1566 with phenylalanine.
Molecular consequence: missense variant.
Genome position (GRCh38, 1-based): chr19:42,290,738, A>T. VCF-style: chr19-42290738-A-T. GRCh37 (hg19) VCF-style: chr19-42794890-A-T.
Other names: c.4697A>T, p.Tyr1566Phe (NM_001304815.2, NM_001379480.1, NM_001379482.1); c.1970A>T, p.Tyr657Phe (NM_001379484.1, NM_001379485.1, NM_015125.5); short protein forms Y1566F, Y657F.
Identifiers: ClinVar variation 3368169 (VCV003368169.1).